The following is an entry in ClinVar:

NM_001013703.4(EIF2AK4):c.744-262C>G

Gene: EIF2AK4 (eukaryotic translation initiation factor 2 alpha kinase 4; plus strand). Cytogenetic location: 15q15.1.
Variant type: single nucleotide variant.
Coding change: c.744-262C>G on transcript NM_001013703.4 (MANE Select); 262 bases into the intron before coding-DNA position 744, C replaced by G.
Molecular consequence: intron variant.
Genome position (GRCh38, 1-based): chr15:39,961,522, C>G. VCF-style: chr15-39961522-C-G. GRCh37 (hg19) VCF-style: chr15-40253723-C-G.
Identifiers: ClinVar variation 683492 (VCV000683492.1), dbSNP rs548091, ClinGen allele CA14158818.

ClinVar aggregate classification (germline): Benign (1 of 4 stars; one submission).

Allele frequency attached by ClinVar (database versions not stated): gnomAD 0.91704; 1000 Genomes Project 0.84425; 1000 Genomes Project 30x 0.84525; TOPMed 0.90175.
gnomAD v4.1: 138,905 of 152,132 alleles (91%); highest among the groups gnomAD compares: Middle Eastern, 97%; 63,835 homozygotes.

Submission:

GeneDx
Classification: Benign. Last evaluated: 2018-06-14. Review status: criteria provided, single submitter. Criteria: GeneDx Variant Classification (06012015). Collection method: clinical testing. Allele origin: germline. Affected: yes.
Comment: This variant is considered likely benign or benign based on one or more of the following criteria: it is a conservative change, it occurs at a poorly conserved position in the protein, it is predicted to be benign by multiple in silico algorithms, and/or has population frequency not consistent with disease.